The following is an entry in ClinVar:

NM_144498.4(OSBPL2):c.225C>T (p.Ser75=)

Gene: OSBPL2 (oxysterol binding protein like 2; plus strand). Cytogenetic location: 20q13.33.
Variant type: single nucleotide variant.
Coding change: c.225C>T on transcript NM_144498.4 (MANE Select); coding-DNA position 225, C replaced by T.
Protein change: p.Ser75=; no amino-acid change (serine 75 retained).
Molecular consequence: synonymous variant. On other transcripts: 5 prime UTR variant (2).
Genome position (GRCh38, 1-based): chr20:62,263,658, C>T. VCF-style: chr20-62263658-C-T. GRCh37 (hg19) VCF-style: chr20-60838714-C-T.
Other names: c.-142C>T (NM_001278649.3, NM_001363878.2); c.189C>T, p.Ser63= (NM_014835.5).
Identifiers: ClinVar variation 680868 (VCV000680868.21), dbSNP rs146206209, ClinGen allele CA9938384.
Genomic context (GRCh38, chr20:62,263,658, plus strand): 5'-CCCTTTTGTGCTTCGCAGGACATCGCTGCCGGCTCCCATGTTCAGCAGAAGCGACTTCAG[C>T]GTGTGGACCATCCTGAAGAAGTGTGTTGGCCTGGTGAGTCCGGGGGCCCGTGTTCACACA-3'
Protein context (NP_653081.1, residues 65-85): PAPMFSRSDF[Ser75=]VWTILKKCVG

ClinVar aggregate classification (germline): Benign/Likely benign. Review status: criteria provided, multiple submitters, no conflicts (2 of 4 stars). 5 submissions from 5 submitters: Benign (1); Likely benign (4). Last evaluated 2025-07-14.

Conditions:
OSBPL2-related disorder. Also called: OSBPL2-related condition.

Allele frequency attached by ClinVar (database versions not stated): ExAC 0.00029; gnomAD 0.00051; ESP Exome Variant Server 0.00054; TOPMed 0.00055; 1000 Genomes Project 0.00080; 1000 Genomes Project 30x 0.00094.

Submissions (5):

Labcorp Genetics (formerly Invitae), Labcorp
Classification: Benign. Last evaluated: 2025-07-14. Review status: criteria provided, single submitter. Criteria: Invitae Variant Classification Sherloc (09022015). Collection method: clinical testing. Allele origin: germline.

CeGaT Center for Human Genetics Tuebingen
Classification: Likely benign. Last evaluated: 2025-06-01. Review status: criteria provided, single submitter. Criteria: CeGaT Center For Human Genetics Tuebingen Variant Classification Criteria Version 2. Collection method: clinical testing. Allele origin: germline. Affected: yes. Observed: 1 variant allele.
Comment: OSBPL2: BP4, BP7

PreventionGenetics, part of Exact Sciences
Classification: Likely benign for OSBPL2-related condition. Last evaluated: 2024-12-19. Review status: criteria provided, single submitter. Criteria: ACMG Guidelines, 2015. Collection method: clinical testing. Allele origin: germline.
Comment: This variant is classified as likely benign based on ACMG/AMP sequence variant interpretation guidelines (Richards et al. 2015 PMID: 25741868, with internal and published modifications).

Blueprint Genetics
Classification: Likely benign. Last evaluated: 2024-10-24. Review status: criteria provided, single submitter. Criteria: ACMG Guidelines, 2015. Collection method: clinical testing. Allele origin: germline.

GeneDx
Classification: Likely benign. Last evaluated: 2018-03-23. Review status: criteria provided, single submitter. Criteria: GeneDx Variant Classification (06012015). Collection method: clinical testing. Allele origin: germline. Affected: yes.
Comment: This variant is considered likely benign or benign based on one or more of the following criteria: it is a conservative change, it occurs at a poorly conserved position in the protein, it is predicted to be benign by multiple in silico algorithms, and/or has population frequency not consistent with disease.